The following is an entry in ClinVar:

NM_001330360.2(POLA1):c.3092T>C (p.Val1031Ala)

Gene: POLA1 (DNA polymerase alpha 1, catalytic subunit; plus strand). Cytogenetic location: Xp22.11.
Variant type: single nucleotide variant.
Coding change: c.3092T>C on transcript NM_001330360.2 (MANE Select); coding-DNA position 3092, T replaced by C.
Protein change: p.Val1031Ala; replaces valine 1031 with alanine.
Molecular consequence: missense variant. On other transcripts: non-coding transcript variant (2).
Genome position (GRCh38, 1-based): chrX:24,812,659, T>C. VCF-style: chrX-24812659-T-C. GRCh37 (hg19) VCF-style: chrX-24830776-T-C.
Other names: c.3017T>C, p.Val1006Ala (NM_001378303.1); c.3074T>C, p.Val1025Ala (NM_016937.4); short protein forms V1006A, V1025A, V1031A.
Identifiers: ClinVar variation 3692513 (VCV003692513.2).

ClinVar aggregate classification (germline): Uncertain significance (1 of 4 stars; one submission).

gnomAD v4.1: 10 of 1,157,523 alleles (0.00086%); highest among the groups gnomAD compares: Non-Finnish European, 0.0012%; no homozygotes.

Submission:

Labcorp Genetics (formerly Invitae), Labcorp
Classification: Uncertain significance. Last evaluated: 2024-09-27. Review status: criteria provided, single submitter. Criteria: Invitae Variant Classification Sherloc (09022015). Collection method: clinical testing. Allele origin: germline.
Comment: This sequence change replaces valine, which is neutral and non-polar, with alanine, which is neutral and non-polar, at codon 1025 of the POLA1 protein (p.Val1025Ala). This variant is not present in population databases (gnomAD no frequency). This variant has not been reported in the literature in individuals affected with POLA1-related conditions. An algorithm developed to predict the effect of missense changes on protein structure and function (PolyPhen-2) suggests that this variant is likely to be tolerated. In summary, the available evidence is currently insufficient to determine the role of this variant in disease. Therefore, it has been classified as a Variant of Uncertain Significance.